The following is an entry in ClinVar:

ClinVar aggregate classification (germline): Likely benign (1 of 4 stars; one submission).

Allele frequency attached by ClinVar (database versions not stated): ESP Exome Variant Server 0.00008; 1000 Genomes Project 0.00020; 1000 Genomes Project 30x 0.00047; TOPMed 0.00097; ExAC 0.00154.
gnomAD v4.1: 598 of 1,610,626 alleles (0.037%); highest among the groups gnomAD compares: Admixed American, 0.7%; 6 homozygotes.

Submission:

CeGaT Center for Human Genetics Tuebingen
Classification: Likely benign. Last evaluated: 2022-06-01. Review status: criteria provided, single submitter. Criteria: CeGaT Center For Human Genetics Tuebingen Variant Classification Criteria Version 2. Collection method: clinical testing. Allele origin: germline. Affected: yes. Observed: 1 variant allele.
Comment: S1PR4: BP4, BP7

NM_003775.4(S1PR4):c.291G>A (p.Ala97=)

Gene: S1PR4 (sphingosine-1-phosphate receptor 4; plus strand). Cytogenetic location: 19p13.3.
Variant type: single nucleotide variant.
Coding change: c.291G>A on transcript NM_003775.4 (MANE Select); coding-DNA position 291, G replaced by A.
Protein change: p.Ala97=; no amino-acid change (alanine 97 retained).
Molecular consequence: synonymous variant.
Genome position (GRCh38, 1-based): chr19:3,179,083, G>A. VCF-style: chr19-3179083-G-A. GRCh37 (hg19) VCF-style: chr19-3179081-G-A.
Identifiers: ClinVar variation 2648985 (VCV002648985.24), dbSNP rs79175715, ClinGen allele CA9075610.
Genomic context (GRCh38, chr19:3,179,083, plus strand): 5'-GCGACGCTGGGTCTACTATTGCCTGGTGAACATCACGCTGAGTGACCTGCTCACGGGCGC[G>A]GCCTACCTGGCCAACGTGCTGCTGTCGGGGGCCCGCACCTTCCGTCTGGCGCCCGCCCAG-3'
Protein context (NP_003766.1, residues 87-107): NITLSDLLTG[Ala97=]AYLANVLLSG